The following is an entry in ClinVar:

NM_001375405.1(CEP120):c.1081C>T (p.His361Tyr)

Gene: CEP120 (centrosomal protein 120; minus strand). Cytogenetic location: 5q23.2.
Variant type: single nucleotide variant.
Coding change: c.1081C>T on transcript NM_001375405.1 (MANE Select); coding-DNA position 1081, C replaced by T.
Protein change: p.His361Tyr; replaces histidine 361 with tyrosine.
Molecular consequence: missense variant. On other transcripts: non-coding transcript variant (1), intron variant (1).
Genome position (GRCh38, 1-based): chr5:123,390,098, G>A on the plus strand (C>T on the coding strand, the complement: CEP120 is on the minus strand). VCF-style: chr5-123390098-G-A. GRCh37 (hg19) VCF-style: chr5-122725792-G-A.
Other names: c.1003C>T, p.His335Tyr (NM_001166226.2); c.1081C>T, p.His361Tyr (NM_001375407.1, NM_153223.4); c.508C>T, p.His170Tyr (NM_001375408.1, NM_001375409.1); c.1039-93C>T (NM_001375406.1); short protein forms H170Y, H361Y, H335Y.
Identifiers: ClinVar variation 1419629 (VCV001419629.6), dbSNP rs1409356450, ClinGen allele CA360891362.
Genomic context (GRCh38, chr5:123,390,098, plus strand): 5'-GTGATTTTGGCCCAGTAAGTGTCTTCTCCTTTATGGGGGTTAAAACTTTCTTCTTTGAAT[G>A]CTCTGGCTCATGTTCATTCTGGGTCTTTAATTCAATTAAAGACTAAAAACAATTTTTAAA-3'
Protein context (NP_001362334.1, residues 351-371): LKTQNEHEPE[His361Tyr]SKKKVLTPIK

ClinVar aggregate classification (germline): Uncertain significance (1 of 4 stars; one submission).

Conditions:
Short-rib thoracic dysplasia 13 with or without polydactyly (SRTD13). Identifiers: Orphanet 474, MedGen C4225378, MONDO:0014577, OMIM 616300.

Allele frequency attached by ClinVar (database versions not stated): gnomAD exomes below 0.00001; gnomAD 0.00001.
gnomAD v4.1: 5 of 1,613,824 alleles (0.00031%); highest among the groups gnomAD compares: Non-Finnish European, 0.00042%; no homozygotes.

Submission:

Labcorp Genetics (formerly Invitae), Labcorp
Classification: Uncertain significance for Short-rib thoracic dysplasia 13 with or without polydactyly. Last evaluated: 2022-10-17. Review status: criteria provided, single submitter. Criteria: Invitae Variant Classification Sherloc (09022015). Collection method: clinical testing. Allele origin: germline.
Comment: This sequence change replaces histidine, which is basic and polar, with tyrosine, which is neutral and polar, at codon 361 of the CEP120 protein (p.His361Tyr). This variant is present in population databases (no rsID available, gnomAD 0.0009%). This variant has not been reported in the literature in individuals affected with CEP120-related conditions. ClinVar contains an entry for this variant (Variation ID: 1419629). Advanced modeling of protein sequence and biophysical properties (such as structural, functional, and spatial information, amino acid conservation, physicochemical variation, residue mobility, and thermodynamic stability) performed at Invitae indicates that this missense variant is not expected to disrupt CEP120 protein function. In summary, the available evidence is currently insufficient to determine the role of this variant in disease. Therefore, it has been classified as a Variant of Uncertain Significance.